The following is an entry in ClinVar:

ClinVar aggregate classification (germline): Likely benign. Review status: criteria provided, multiple submitters, no conflicts (2 of 4 stars). 2 submissions from 2 submitters: Likely benign (2). Last evaluated 2026-01-06.

Conditions:
Nemaline myopathy 6 (NEM6). Also called: Nemaline myopathy 6, autosomal dominant. Identifiers: Orphanet 171439, MedGen C1836472, MONDO:0012237, OMIM 609273.

Allele frequency attached by ClinVar (database versions not stated): gnomAD exomes 0.00006 and 0.00012; ExAC 0.00009; gnomAD 0.00040 and 0.00044; TOPMed 0.00042.

Submissions (2):

Labcorp Genetics (formerly Invitae), Labcorp
Classification: Likely benign for Nemaline myopathy 6. Last evaluated: 2026-01-06. Review status: criteria provided, single submitter. Criteria: Invitae Variant Classification Sherloc (09022015). Collection method: clinical testing. Allele origin: germline.

GeneDx
Classification: Likely benign. Last evaluated: 2017-11-21. Review status: criteria provided, single submitter. Criteria: GeneDx Variant Classification (06012015). Collection method: clinical testing. Allele origin: germline. Affected: yes.
Comment: This variant is considered likely benign or benign based on one or more of the following criteria: it is a conservative change, it occurs at a poorly conserved position in the protein, it is predicted to be benign by multiple in silico algorithms, and/or has population frequency not consistent with disease.

NM_001101362.3(KBTBD13):c.189G>A (p.Gln63=)

Gene: KBTBD13 (kelch repeat and BTB domain containing 13; plus strand). Cytogenetic location: 15q22.31.
Variant type: single nucleotide variant.
Coding change: c.189G>A on transcript NM_001101362.3 (MANE Select); coding-DNA position 189, G replaced by A.
Protein change: p.Gln63=; no amino-acid change (glutamine 63 retained).
Molecular consequence: synonymous variant.
Genome position (GRCh38, 1-based): chr15:65,077,004, G>A. VCF-style: chr15-65077004-G-A. GRCh37 (hg19) VCF-style: chr15-65369342-G-A.
Identifiers: ClinVar variation 464348 (VCV000464348.12), dbSNP rs777062916, ClinGen allele CA7613894.